The following is an entry in ClinVar:

NM_054012.4(ASS1):c.983_984insGGTGAATTTG (p.Ser328fs)

Gene: ASS1 (argininosuccinate synthase 1; plus strand). Cytogenetic location: 9q34.11.
Variant type: Insertion.
Coding change: c.983_984insGGTGAATTTG on transcript NM_054012.4 (MANE Select); coding-DNA positions 983 to 984, GGTGAATTTG inserted.
Protein change: p.Ser328fs; shifts the reading frame from serine 328.
Molecular consequence: frameshift variant.
Genome position: GRCh38 VCF-style: chr9-130494878-A-AGGGTGAATTT. GRCh37 (hg19) VCF-style: chr9-133370265-A-AGGGTGAATTT.
Other names: c.983_984insGGTGAATTTG, p.Ser328fs (NM_000050.4); short protein forms S328fs.
Identifiers: ClinVar variation 2006582 (VCV002006582.4), dbSNP rs2490621719, ClinGen allele CA2580079845.
Genomic context (GRCh38, chr9:130,494,878, plus strand): 5'-TCGCGGTGCAGGAGGCCTCCCTAGTGGTATCCTGTTTTCCTCCCTGTAGGTTTCTGGCAC[A>AGGGTGAATTT]GCCCTGAGTGTGAATTTGTCCGCCACTGCATCGCCAAGTCCCAGGAGCGAGTGGAAGGGA-3'

ClinVar aggregate classification (germline): Pathogenic (1 of 4 stars; one submission).

Conditions:
Citrullinemia. Identifiers: Orphanet 187, MedGen C0175683, MONDO:0015991.

Submission:

Labcorp Genetics (formerly Invitae), Labcorp
Classification: Pathogenic for Citrullinemia. Last evaluated: 2022-06-14. Review status: criteria provided, single submitter. Criteria: Invitae Variant Classification Sherloc (09022015). Collection method: clinical testing. Allele origin: germline.
Comment: This sequence change creates a premature translational stop signal (p.Ser328Argfs*6) in the ASS1 gene. It is expected to result in an absent or disrupted protein product. Loss-of-function variants in ASS1 are known to be pathogenic (PMID: 18473344, 19006241). This variant is not present in population databases (gnomAD no frequency). This variant has not been reported in the literature in individuals affected with ASS1-related conditions. For these reasons, this variant has been classified as Pathogenic.

Literature cited by the submitters: PubMed 18473344; PubMed 19006241.